The following is an entry in ClinVar:

NM_000059.4(BRCA2):c.3432G>C (p.Val1144=)

Gene: BRCA2 (BRCA2 DNA repair associated; plus strand). Cytogenetic location: 13q13.1.
Variant type: single nucleotide variant.
Coding change: c.3432G>C on transcript NM_000059.4 (MANE Select); coding-DNA position 3432, G replaced by C.
Protein change: p.Val1144=; no amino-acid change (valine 1144 retained).
Molecular consequence: synonymous variant.
Genome position (GRCh38, 1-based): chr13:32,337,787, G>C. VCF-style: chr13-32337787-G-C. GRCh37 (hg19) VCF-style: chr13-32911924-G-C.
Identifiers: ClinVar variation 427444 (VCV000427444.13), dbSNP rs775407297, ClinGen allele CA6940696.

ClinVar aggregate classification (germline): Likely benign. Review status: reviewed by expert panel (3 of 4 stars). 3 submissions from 3 submitters: Likely benign (1). 2 of the submissions do not count toward it. Last evaluated 2017-06-29.

Conditions:
Hereditary cancer-predisposing syndrome. Also called: Hereditary neoplastic syndrome; Hereditary Cancer Syndrome; Neoplastic Syndromes, Hereditary; Tumor predisposition. Identifiers: Orphanet 140162, MedGen C0027672, MeSH D009386, MONDO:0015356.
Hereditary breast ovarian cancer syndrome. Also called: Hereditary breast and ovarian cancer syndrome; BRCA1- and BRCA2-Associated Hereditary Breast and Ovarian Cancer; Hereditary breast and/or ovarian cancer syndrome; Hereditary breast and ovarian cancer; Breast and ovarian cancer; Hereditary breast and ovarian cancer syndrome (HBOC). Identifiers: Orphanet 145, MedGen C0677776, MeSH D061325, MONDO:0003582. Disease mechanism: loss of function.
Breast-ovarian cancer, familial, susceptibility to, 2 (BROVCA2). Also called: BRCA2 Hereditary Breast and Ovarian Cancer. Identifiers: Orphanet 145, MedGen C2675520, MONDO:0012933, OMIM 612555. Disease mechanism: loss of function.

Allele frequency attached by ClinVar (database versions not stated): gnomAD exomes below 0.00001; ExAC 0.00001.
gnomAD v4.1: 1 of 1,614,024 alleles (0.000062%); highest among the groups gnomAD compares: South Asian, 0.0011%; no homozygotes.

Submissions (3):

Evidence-based Network for the Interpretation of Germline Mutant Alleles (ENIGMA)
Classification: Likely benign for Breast-ovarian cancer, familial, susceptibility to, 2. Last evaluated: 2017-06-29. Review status: reviewed by expert panel. Criteria: ENIGMA BRCA1/2 Classification Criteria (2017-06-29). Collection method: curation. Allele origin: germline.
Comment: Synonymous substitution variant, with low bioinformatic likelihood to result in a splicing aberration (Splicing prior probability 0.02).

Labcorp Genetics (formerly Invitae), Labcorp
Classification: Likely benign for Hereditary breast ovarian cancer syndrome. Last evaluated: 2025-07-14. Review status: criteria provided, single submitter. Criteria: Invitae Variant Classification Sherloc (09022015). Collection method: clinical testing. Allele origin: germline. Not counted in ClinVar's aggregate classification.

Ambry Genetics
Classification: Likely benign for Hereditary cancer-predisposing syndrome. Last evaluated: 2023-02-04. Review status: criteria provided, single submitter. Criteria: Ambry Variant Classification Scheme 2023. Collection method: clinical testing. Allele origin: germline. Not counted in ClinVar's aggregate classification.